The following is an entry in ClinVar:

Conditions:
Breast-ovarian cancer, familial, susceptibility to, 1 (BROVCA1). Also called: BRCA1 Hereditary Breast and Ovarian Cancer; OVARIAN CANCER, SUSCEPTIBILITY TO. Identifiers: Orphanet 145, MedGen C2676676, MONDO:0011450, OMIM 604370. Disease mechanism: loss of function.

Submission:

Brotman Baty Institute, University of Washington
No classification provided (evidence only). Condition: Breast-ovarian cancer, familial 1. Review status: no classification provided. Collection method: in vitro. Allele origin: not applicable. Functional consequence: functionally_normal.
ClinVar note: "not provided" was previously submitted as the classification for the variant. However, the classification appeared to be based only on an observation of functional data so it was converted to no classification on 2025-07-30.

NM_007294.4(BRCA1):c.4947A>T (p.Arg1649Ser)

Gene: BRCA1 (BRCA1 DNA repair associated; minus strand). Cytogenetic location: 17q21.31.
Variant type: single nucleotide variant.
Coding change: c.4947A>T on transcript NM_007294.4 (MANE Select); coding-DNA position 4947, A replaced by T.
Protein change: p.Arg1649Ser; replaces arginine 1649 with serine.
Molecular consequence: missense variant. On other transcripts: non-coding transcript variant (1).
Genome position (GRCh38, 1-based): chr17:43,070,967, T>A on the plus strand (A>T on the coding strand, the complement: BRCA1 is on the minus strand). VCF-style: chr17-43070967-T-A. GRCh37 (hg19) VCF-style: chr17-41222984-T-A.
Other names: c.4734A>T, p.Arg1578Ser (NM_001407571.1, NM_001407898.1, NM_001407899.1 and 12 more transcripts); c.5013A>T, p.Arg1671Ser (NM_001407581.1, NM_001407582.1); c.5010A>T, p.Arg1670Ser (NM_001407583.1, NM_001407585.1, NM_001407587.1 and 1 more transcripts); c.5007A>T, p.Arg1669Ser (NM_001407590.1, NM_001407591.1); c.4947A>T, p.Arg1649Ser (NM_001407593.1, NM_001407594.1, NM_001407596.1 and 8 more transcripts); c.4944A>T, p.Arg1648Ser (NM_001407610.1, NM_001407611.1, NM_001407612.1 and 17 more transcripts); c.4941A>T, p.Arg1647Ser (NM_001407627.1, NM_001407628.1, NM_001407629.1 and 14 more transcripts); c.4932A>T, p.Arg1644Ser (NM_001407647.1); and 70 more; short protein forms R545S, R1602S, R1649S, R1670S, R1480S, R1521S, R1522S, R1536S.
Identifiers: ClinVar variation 868869 (VCV000868869.3), dbSNP rs2052367562, ClinGen allele CA10591629.
Genomic context (GRCh38, chr17:43,070,967, plus strand): 5'-GATACATATGGATACACTCACAAATTCTTCTGGGGTCAGGCCAGACACCACCATGGACAT[T>A]CTTTTGTTGACCCTTTCTGTTGAAGCTGTCAATTCTGGCTTCTCCCTGCTCACACTTTCT-3'
Protein context (NP_009225.1, residues 1639-1659): LTASTERVNK[Arg1649Ser]MSMVVSGLTP